The following is an entry in ClinVar:

ClinVar aggregate classification (germline): Uncertain significance (1 of 4 stars; one submission).

Conditions:
Hereditary cancer-predisposing syndrome. Also called: Tumor predisposition; Hereditary Cancer Syndrome; Hereditary neoplastic syndrome; Neoplastic Syndromes, Hereditary. Identifiers: Orphanet 140162, MedGen C0027672, MeSH D009386, MONDO:0015356.

Submission:

Ambry Genetics
Classification: Uncertain significance for Hereditary cancer-predisposing syndrome. Last evaluated: 2023-07-26. Review status: criteria provided, single submitter. Criteria: Ambry Variant Classification Scheme 2023. Collection method: clinical testing. Allele origin: germline.
Comment: The p.D635E variant (also known as c.1905T>G), located in coding exon 15 of the POLD1 gene, results from a T to G substitution at nucleotide position 1905. The aspartic acid at codon 635 is replaced by glutamic acid, an amino acid with highly similar properties. This amino acid position is conserved. In addition, this alteration is predicted to be tolerated by in silico analysis. Since supporting evidence is limited at this time, the clinical significance of this alteration remains unclear.

NM_002691.4(POLD1):c.1905T>G (p.Asp635Glu)

Gene: POLD1 (DNA polymerase delta 1, catalytic subunit; plus strand). Cytogenetic location: 19q13.33.
Variant type: single nucleotide variant.
Coding change: c.1905T>G on transcript NM_002691.4 (MANE Select); coding-DNA position 1905, T replaced by G.
Protein change: p.Asp635Glu; replaces aspartic acid 635 with glutamic acid.
Molecular consequence: missense variant. On other transcripts: non-coding transcript variant (1).
Genome position (GRCh38, 1-based): chr19:50,409,134, T>G. VCF-style: chr19-50409134-T-G. GRCh37 (hg19) VCF-style: chr19-50912391-T-G.
Other names: c.1905T>G, p.Asp635Glu (NM_001256849.1); c.1983T>G, p.Asp661Glu (NM_001308632.1); short protein forms D635E, D661E.
Identifiers: ClinVar variation 2625399 (VCV002625399.2), dbSNP rs2514014966, ClinGen allele CA406982210.